The following is an entry in ClinVar:

NM_057175.5(NAA15):c.2115T>C (p.His705=)

Gene: NAA15 (N-alpha-acetyltransferase 15, NatA auxiliary subunit; plus strand). Cytogenetic location: 4q31.1.
Variant type: single nucleotide variant.
Coding change: c.2115T>C on transcript NM_057175.5 (MANE Select); coding-DNA position 2115, T replaced by C.
Protein change: p.His705=; no amino-acid change (histidine 705 retained).
Molecular consequence: synonymous variant.
Genome position (GRCh38, 1-based): chr4:139,378,814, T>C. VCF-style: chr4-139378814-T-C. GRCh37 (hg19) VCF-style: chr4-140299968-T-C.
Identifiers: ClinVar variation 730948 (VCV000730948.33), dbSNP rs373761987, ClinGen allele CA3083774.

ClinVar aggregate classification (germline): Benign. Review status: criteria provided, multiple submitters, no conflicts (2 of 4 stars). 4 submissions from 4 submitters: Benign (3). 1 of the submissions does not count toward it. Last evaluated 2025-10-27.

Conditions:
NAA15-related disorder.

Allele frequency attached by ClinVar (database versions not stated): gnomAD exomes 0.00013; ExAC 0.00020; 1000 Genomes Project 0.00040; 1000 Genomes Project 30x 0.00047; gnomAD 0.00070 and 0.00078; TOPMed 0.00076; ESP Exome Variant Server 0.00101.
gnomAD v4.1: 182 of 1,557,190 alleles (0.012%); highest among the groups gnomAD compares: African/African-American, 0.24%; no homozygotes.

Submissions (4):

Labcorp Genetics (formerly Invitae), Labcorp
Classification: Benign. Last evaluated: 2025-10-27. Review status: criteria provided, single submitter. Criteria: Invitae Variant Classification Sherloc (09022015). Collection method: clinical testing. Allele origin: germline.

CeGaT Center for Human Genetics Tuebingen
Classification: Benign. Last evaluated: 2022-09-01. Review status: criteria provided, single submitter. Criteria: CeGaT Center For Human Genetics Tuebingen Variant Classification Criteria Version 2. Collection method: clinical testing. Allele origin: germline. Affected: yes. Observed: 1 variant allele.
Comment: NAA15: BS1, BS2

Breakthrough Genomics
Classification: Benign. Review status: criteria provided, single submitter. Criteria: ACMG Guidelines, 2015. Collection method: not provided. Allele origin: germline. Inheritance: Autosomal dominant inheritance. Affected: yes.

PreventionGenetics, part of Exact Sciences
Classification: Likely benign for NAA15-related condition. Last evaluated: 2019-08-08. Review status: no assertion criteria provided. Collection method: clinical testing. Allele origin: germline. Not counted in ClinVar's aggregate classification.
Comment: This variant is classified as likely benign based on ACMG/AMP sequence variant interpretation guidelines (Richards et al. 2015 PMID: 25741868, with internal and published modifications).